The following is an entry in ClinVar:

ClinVar aggregate classification (germline): Likely benign (1 of 4 stars; one submission).

Allele frequency attached by ClinVar (database versions not stated): gnomAD exomes below 0.00001; ExAC 0.00001; gnomAD 0.00001; TOPMed 0.00002; ESP Exome Variant Server 0.00008.
gnomAD v4.1: 2 of 1,613,952 alleles (0.00012%); highest among the groups gnomAD compares: South Asian, 0.0011%; no homozygotes.

Submission:

GeneDx
Classification: Likely benign. Last evaluated: 2017-12-22. Review status: criteria provided, single submitter. Criteria: GeneDx Variant Classification (06012015). Collection method: clinical testing. Allele origin: germline. Affected: yes.
Comment: This variant is considered likely benign or benign based on one or more of the following criteria: it is a conservative change, it occurs at a poorly conserved position in the protein, it is predicted to be benign by multiple in silico algorithms, and/or has population frequency not consistent with disease.

NM_001267550.2(TTN):c.6438T>G (p.Ser2146=)

Gene: TTN (titin; minus strand). Cytogenetic location: 2q31.2.
Variant type: single nucleotide variant.
Coding change: c.6438T>G on transcript NM_001267550.2 (MANE Select); coding-DNA position 6438, T replaced by G.
Protein change: p.Ser2146=; no amino-acid change (serine 2146 retained).
Molecular consequence: synonymous variant.
Genome position (GRCh38, 1-based): chr2:178,775,426, A>C on the plus strand (T>G on the coding strand, the complement: TTN is on the minus strand). VCF-style: chr2-178775426-A-C. GRCh37 (hg19) VCF-style: chr2-179640153-A-C.
Other names: c.6438T>G, p.Ser2146= (NM_001256850.1, NM_133378.4, NM_133379.5); c.6300T>G, p.Ser2100= (NM_003319.4, NM_133432.3, NM_133437.4).
Identifiers: ClinVar variation 514364 (VCV000514364.1), dbSNP rs375425113, ClinGen allele CA2005048.
Genomic context (GRCh38, chr2:178,775,426, plus strand): 5'-TAAGAATGCGTGACTGGAGGTTTCTCCAGCTATGTTGATGGCTTTTACCATGATGCTGGC[A>C]GAGTCCTCAGCAGTCACATCTCTTATGACCAATTCACAAACATTGTCTTCGGGCCAGTAC-3'
Protein context (NP_001254479.2, residues 2136-2156): LVIRDVTAED[Ser2146=]ASIMVKAINI